The following is an entry in ClinVar:

ClinVar aggregate classification (germline): Uncertain significance (1 of 4 stars; one submission).

Allele frequency attached by ClinVar (database versions not stated): gnomAD 0.00007; TOPMed 0.00007; 1000 Genomes Project 30x 0.00016; 1000 Genomes Project 0.00020.
gnomAD v4.1: 163 of 1,613,922 alleles (0.01%); highest among the groups gnomAD compares: South Asian, 0.034%; no homozygotes.

Submission:

Labcorp Genetics (formerly Invitae), Labcorp
Classification: Uncertain significance. Last evaluated: 2025-11-03. Review status: criteria provided, single submitter. Criteria: Invitae Variant Classification Sherloc (09022015). Collection method: clinical testing. Allele origin: germline.
Comment: This sequence change replaces proline, which is neutral and non-polar, with leucine, which is neutral and non-polar, at codon 100 of the COL10A1 protein (p.Pro100Leu). This variant is present in population databases (rs538524572, gnomAD 0.04%). This variant has not been reported in the literature in individuals affected with COL10A1-related conditions. ClinVar contains an entry for this variant (Variation ID: 2054869). Invitae Evidence Modeling of protein sequence and biophysical properties (such as structural, functional, and spatial information, amino acid conservation, physicochemical variation, residue mobility, and thermodynamic stability) has been performed for this missense variant. However, the output from this modeling did not meet the statistical confidence thresholds required to predict the impact of this variant on COL10A1 protein function. In summary, the available evidence is currently insufficient to determine the role of this variant in disease. Therefore, it has been classified as a Variant of Uncertain Significance.

NM_000493.4(COL10A1):c.299C>T (p.Pro100Leu)

Genes: COL10A1 (collagen type X alpha 1 chain; minus strand), NT5DC1 (5'-nucleotidase domain containing 1; plus strand). Cytogenetic location: 6q22.1.
Variant type: single nucleotide variant.
Coding change: c.299C>T on transcript NM_000493.4 (MANE Select); coding-DNA position 299, C replaced by T.
Protein change: p.Pro100Leu; replaces proline 100 with leucine.
Molecular consequence: missense variant. On other transcripts: intron variant (1).
Genome position (GRCh38, 1-based): chr6:116,121,817, G>A on the plus strand (C>T on the coding strand, the complement: COL10A1 is on the minus strand). VCF-style: chr6-116121817-G-A. GRCh37 (hg19) VCF-style: chr6-116442980-G-A.
Other names: c.299C>T, p.Pro100Leu (NM_001424106.1, NM_001424107.1); c.529+3872G>A (NM_152729.3); short protein forms P100L.
Identifiers: ClinVar variation 2054869 (VCV002054869.4), dbSNP rs538524572, ClinGen allele CA3968432.